The following is an entry in ClinVar:

NM_006393.3(NEBL):c.1269A>G (p.Lys423=)

Gene: NEBL (nebulette; minus strand). Cytogenetic location: 10p12.31.
Variant type: single nucleotide variant.
Coding change: c.1269A>G on transcript NM_006393.3 (MANE Select); coding-DNA position 1269, A replaced by G.
Protein change: p.Lys423=; no amino-acid change (lysine 423 retained).
Molecular consequence: synonymous variant. On other transcripts: intron variant (9).
Genome position (GRCh38, 1-based): chr10:20,840,808, T>C on the plus strand (A>G on the coding strand, the complement: NEBL is on the minus strand). VCF-style: chr10-20840808-T-C. GRCh37 (hg19) VCF-style: chr10-21129737-T-C.
Other names: c.250-27868A>G (NM_001377326.1, NM_001377327.1, NM_001377328.1); c.358-27868A>G (NM_213569.2, NM_001173484.2, NM_001377322.1); c.301-27868A>G (NM_001377324.1); c.292-27868A>G (NM_001377325.1); c.310-27868A>G (NM_001377323.1).
Identifiers: ClinVar variation 164754 (VCV000164754.10), dbSNP rs138932199, ClinGen allele CA177437.

ClinVar aggregate classification (germline): Likely benign. Review status: criteria provided, multiple submitters, no conflicts (2 of 4 stars). 3 submissions from 3 submitters: Likely benign (3). Last evaluated 2025-12-26.

Conditions:
Primary dilated cardiomyopathy (DCM). Also called: Dilated Cardiomyopathy. Identifiers: Orphanet 217604, MedGen C0007193, MeSH D002311, MONDO:0005021, HP:0001644. Inheritance: Various modes of inheritance.

Allele frequency attached by ClinVar (database versions not stated): TOPMed 0.00001; ExAC 0.00001.
gnomAD v4.1: 51 of 1,610,362 alleles (0.0032%); highest among the groups gnomAD compares: Non-Finnish European, 0.0042%; no homozygotes.

Submissions (3):

Labcorp Genetics (formerly Invitae), Labcorp
Classification: Likely benign for Primary dilated cardiomyopathy. Last evaluated: 2025-12-26. Review status: criteria provided, single submitter. Criteria: Invitae Variant Classification Sherloc (09022015). Collection method: clinical testing. Allele origin: germline.

Ambry Genetics
Classification: Likely benign. Last evaluated: 2022-11-27. Review status: criteria provided, single submitter. Criteria: Ambry Variant Classification Scheme 2023. Collection method: clinical testing. Allele origin: germline.

Laboratory for Molecular Medicine, Mass General Brigham Personalized Medicine
Classification: Likely benign. Last evaluated: 2014-04-03. Review status: criteria provided, single submitter. Criteria: LMM Criteria. Collection method: clinical testing. Allele origin: germline. Observed: 1 variant allele.
Comment: Lys423Lys in exon 13 of NEBL: This variant is not expected to have clinical sign ificance because it does not alter an amino acid residue and is not located with in the splice consensus sequence.